The following is an entry in ClinVar:

ClinVar aggregate classification (germline): Uncertain significance (1 of 4 stars; one submission).

Conditions:
MHC class II deficiency. Also called: BLS, TYPE II; Bare lymphocyte syndrome 2. Identifiers: Orphanet 572, MedGen C5447452, MONDO:0008855.

Submission:

Labcorp Genetics (formerly Invitae), Labcorp
Classification: Uncertain significance for MHC class II deficiency. Last evaluated: 2021-04-14. Review status: criteria provided, single submitter. Criteria: Invitae Variant Classification Sherloc (09022015). Collection method: clinical testing. Allele origin: germline.
Comment: In summary, the available evidence is currently insufficient to determine the role of this variant in disease. Therefore, it has been classified as a Variant of Uncertain Significance. Algorithms developed to predict the effect of missense changes on protein structure and function are either unavailable or do not agree on the potential impact of this missense change (SIFT: "Tolerated"; PolyPhen-2: "Possibly Damaging"; Align-GVGD: "Class C0"). This variant has not been reported in the literature in individuals with RFX5-related conditions. This variant is not present in population databases (ExAC no frequency). This sequence change replaces aspartic acid with glutamic acid at codon 115 of the RFX5 protein (p.Asp115Glu). The aspartic acid residue is moderately conserved and there is a small physicochemical difference between aspartic acid and glutamic acid.

NM_001025603.2(RFX5):c.345T>A (p.Asp115Glu)

Gene: RFX5 (regulatory factor X5; minus strand). Cytogenetic location: 1q21.3.
Variant type: single nucleotide variant.
Coding change: c.345T>A on transcript NM_001025603.2 (MANE Select); coding-DNA position 345, T replaced by A.
Protein change: p.Asp115Glu; replaces aspartic acid 115 with glutamic acid.
Molecular consequence: missense variant. On other transcripts: intron variant (2).
Genome position (GRCh38, 1-based): chr1:151,344,736, A>T on the plus strand (T>A on the coding strand, the complement: RFX5 is on the minus strand). VCF-style: chr1-151344736-A-T. GRCh37 (hg19) VCF-style: chr1-151317212-A-T.
Other names: c.345T>A, p.Asp115Glu (NM_000449.4, NM_001379412.1, NM_001379413.1 and 5 more transcripts); c.234-200T>A (NM_001379419.1, NM_001379420.1); short protein forms D115E.
Identifiers: ClinVar variation 1482508 (VCV001482508.8), dbSNP rs531565556, ClinGen allele CA341942369.